The following is an entry in ClinVar:

NM_001127208.3(TET2):c.2047T>G (p.Phe683Val)

Genes: TET2 (tet methylcytosine dioxygenase 2; plus strand), TET2-AS1 (TET2 antisense RNA 1; minus strand). Cytogenetic location: 4q24.
Variant type: single nucleotide variant.
Coding change: c.2047T>G on transcript NM_001127208.3 (MANE Select); coding-DNA position 2047, T replaced by G.
Protein change: p.Phe683Val; replaces phenylalanine 683 with valine.
Molecular consequence: missense variant.
Genome position (GRCh38, 1-based): chr4:105,235,989, T>G. VCF-style: chr4-105235989-T-G. GRCh37 (hg19) VCF-style: chr4-106157146-T-G.
Other names: c.2047T>G, p.Phe683Val (NM_017628.4); short protein forms F683V.
Identifiers: ClinVar variation 4594116 (VCV004594116.1).
Genomic context (GRCh38, chr4:105,235,989, plus strand): 5'-TCCAAAACAGACCATTTACCAAAAGCTCATGTGCAGTCACTGTGTGGCACTAGATTTCAT[T>G]TTCAACAAAGAGCAGATTCCCAAACTGAAAAACTTATGTCCCCAGTGTTGAAACAGCACT-3'
Protein context (NP_001120680.1, residues 673-693): VQSLCGTRFH[Phe683Val]QQRADSQTEK

ClinVar aggregate classification (germline): Uncertain significance (1 of 4 stars; one submission).

Submission:

Ambry Genetics
Classification: Uncertain significance. Last evaluated: 2025-09-19. Review status: criteria provided, single submitter. Criteria: Ambry Variant Classification Scheme 2023. Collection method: clinical testing. Allele origin: germline.
Comment: The p.F683V variant (also known as c.2047T>G), located in coding exon 1 of the TET2 gene, results from a T to G substitution at nucleotide position 2047. The phenylalanine at codon 683 is replaced by valine, an amino acid with highly similar properties. This amino acid position is conserved. In addition, this alteration is predicted to be tolerated by in silico analysis. Based on the available evidence, the clinical significance of this variant remains unclear.